The following is an entry in ClinVar:

NM_020774.4(MIB1):c.439A>G (p.Thr147Ala)

Gene: MIB1 (MIB E3 ubiquitin protein ligase 1; plus strand). Cytogenetic location: 18q11.2.
Variant type: single nucleotide variant.
Coding change: c.439A>G on transcript NM_020774.4 (MANE Select); coding-DNA position 439, A replaced by G.
Protein change: p.Thr147Ala; replaces threonine 147 with alanine.
Molecular consequence: missense variant.
Genome position (GRCh38, 1-based): chr18:21,768,660, A>G. VCF-style: chr18-21768660-A-G. GRCh37 (hg19) VCF-style: chr18-19348621-A-G.
Other names: short protein forms T147A.
Identifiers: ClinVar variation 3395770 (VCV003395770.1).

ClinVar aggregate classification (germline): Uncertain significance (1 of 4 stars; one submission).

Conditions:
Inborn genetic diseases. Identifiers: MedGen C0950123, MeSH D030342.

Submission:

Ambry Genetics
Classification: Uncertain significance for Inborn genetic diseases. Last evaluated: 2024-09-30. Review status: criteria provided, single submitter. Criteria: Ambry Variant Classification Scheme 2023. Collection method: clinical testing. Allele origin: germline.
Comment: The p.T147A variant (also known as c.439A>G), located in coding exon 3 of the MIB1 gene, results from an A to G substitution at nucleotide position 439. The threonine at codon 147 is replaced by alanine, an amino acid with similar properties. This amino acid position is conserved. In addition, the in silico prediction for this alteration is inconclusive. Based on the available evidence, the clinical significance of this variant remains unclear.